The following is an entry in ClinVar:

NM_006182.4(DDR2):c.1728+6T>C

Gene: DDR2 (discoidin domain receptor tyrosine kinase 2; plus strand). Cytogenetic location: 1q23.3.
Variant type: single nucleotide variant.
Coding change: c.1728+6T>C on transcript NM_006182.4 (MANE Select); 6 bases into the intron after coding-DNA position 1728, T replaced by C.
Molecular consequence: intron variant.
Genome position (GRCh38, 1-based): chr1:162,772,253, T>C. VCF-style: chr1-162772253-T-C. GRCh37 (hg19) VCF-style: chr1-162742043-T-C.
Other names: c.1728+6T>C (NM_001354983.2, NM_001354982.2, NM_001014796.3).
Identifiers: ClinVar variation 932050 (VCV000932050.6), dbSNP rs759234577, ClinGen allele CA1217606.
Genomic context (GRCh38, chr1:162,772,253, plus strand): 5'-CCCCAGGAAACTCCTAACTTTCAAAGAGAAGCTGGGAGAAGGACAGTTTGGGGAGGTGAG[T>C]TGATTCTTTGATTCCCTTATAGCTCGAAGAAGGTGGTTGGATAAAAATGATCAGTAGAAC-3'

ClinVar aggregate classification (germline): Uncertain significance. Review status: criteria provided, multiple submitters, no conflicts (2 of 4 stars). 2 submissions from 2 submitters: Uncertain significance (2). Last evaluated 2025-12-29.

Conditions:
Warburg-cinotti syndrome. Identifiers: MedGen C5193019, MONDO:0032579, OMIM 618175.

Allele frequency attached by ClinVar (database versions not stated): gnomAD 0.00003 and 0.00004; TOPMed 0.00002.
gnomAD v4.1: 46 of 1,613,574 alleles (0.0029%); highest among the groups gnomAD compares: African/African-American, 0.004%; no homozygotes.

Submissions (2):

Labcorp Genetics (formerly Invitae), Labcorp
Classification: Uncertain significance. Last evaluated: 2025-12-29. Review status: criteria provided, single submitter. Criteria: Invitae Variant Classification Sherloc (09022015). Collection method: clinical testing. Allele origin: germline.
Comment: This sequence change falls in intron 13 of the DDR2 gene. It does not directly change the encoded amino acid sequence of the DDR2 protein. It affects a nucleotide within the consensus splice site. This variant is present in population databases (rs759234577, gnomAD 0.008%). This variant has not been reported in the literature in individuals affected with DDR2-related conditions. ClinVar contains an entry for this variant (Variation ID: 932050). Variants that disrupt the consensus splice site are a relatively common cause of aberrant splicing (PMID: 17576681, 9536098). Algorithms developed to predict the effect of sequence changes on RNA splicing suggest that this variant is not likely to affect RNA splicing. In summary, the available evidence is currently insufficient to determine the role of this variant in disease. Therefore, it has been classified as a Variant of Uncertain Significance.

Centre for Mendelian Genomics, University Medical Centre Ljubljana
Classification: Uncertain significance for Warburg-cinotti syndrome. Last evaluated: 2019-02-25. Review status: criteria provided, single submitter. Criteria: ACMG Guidelines, 2015. Collection method: clinical testing. Allele origin: unknown. Affected: yes.
Comment: This variant was classified as: Uncertain significance. The available evidence on this variant's pathogenicity is insufficient or conflicting. The following ACMG criteria were applied in classifying this variant: BP4.

Literature cited by the submitters: PubMed 17576681 (cited by Labcorp Genetics (formerly Invitae), Labcorp); PubMed 9536098 (cited by Labcorp Genetics (formerly Invitae), Labcorp).